The following is an entry in ClinVar:

NM_015272.5(RPGRIP1L):c.2590T>C (p.Tyr864His)

Gene: RPGRIP1L (RPGRIP1 like; minus strand). Cytogenetic location: 16q12.2.
Variant type: single nucleotide variant.
Coding change: c.2590T>C on transcript NM_015272.5 (MANE Select); coding-DNA position 2590, T replaced by C.
Protein change: p.Tyr864His; replaces tyrosine 864 with histidine.
Molecular consequence: missense variant.
Genome position (GRCh38, 1-based): chr16:53,645,718, A>G on the plus strand (T>C on the coding strand, the complement: RPGRIP1L is on the minus strand). VCF-style: chr16-53645718-A-G. GRCh37 (hg19) VCF-style: chr16-53679630-A-G.
Other names: c.2590T>C, p.Tyr864His (NM_001127897.4, NM_001308334.3, NM_001330538.2); c.2590T>C (NM_015272.4); short protein forms Y864H.
Identifiers: ClinVar variation 1479051 (VCV001479051.9), dbSNP rs1480250597, ClinGen allele CA395914274.

ClinVar aggregate classification (germline): Uncertain significance. Review status: criteria provided, multiple submitters, no conflicts (2 of 4 stars). 3 submissions from 3 submitters: Uncertain significance (3). Last evaluated 2025-12-20.

Conditions:
COACH syndrome 3. Identifiers: MedGen C5436841, MONDO:0030862, OMIM 619113.
Joubert syndrome 7 (JBTS7). Identifiers: Orphanet 220497, MedGen C1969053, MONDO:0012694, OMIM 611560.
Meckel syndrome, type 5 (MKS5). Identifiers: Orphanet 564, MedGen C1969052, MONDO:0012695, OMIM 611561.
Joubert syndrome. Also called: Familial aplasia of the vermis; JOUBERT-BOLTSHAUSER SYNDROME. Identifiers: Orphanet 475, MedGen C5979921, MONDO:0018772.
Meckel-Gruber syndrome. Also called: Dysencephalia splachnocystica; DYSENCEPHALIA SPLANCHNOCYSTICA; GRUBER SYNDROME. Identifiers: Orphanet 564, MedGen C0265215, MONDO:0018921.
RPGRIP1L-related disorder. Also called: RPGRIP1L-related disorders; RPGRIP1L-related condition. Identifiers: MedGen CN239416.

Allele frequency attached by ClinVar (database versions not stated): gnomAD 0.00001; gnomAD exomes 0.00001; TOPMed 0.00001.
gnomAD v4.1: 20 of 1,614,014 alleles (0.0012%); highest among the groups gnomAD compares: Non-Finnish European, 0.0016%; no homozygotes.

Submissions (3):

PreventionGenetics, part of Exact Sciences
Classification: Uncertain significance for RPGRIP1L-related condition. Last evaluated: 2025-12-20. Review status: criteria provided, single submitter. Criteria: ACMG Guidelines, 2015. Collection method: clinical testing. Allele origin: germline.
Comment: The RPGRIP1L c.2590T>C variant is predicted to result in the amino acid substitution p.Tyr864His. To our knowledge, this variant has not been reported in the literature or in a large population database (gnomAD), indicating this variant is rare. At this time, the clinical significance of this variant is uncertain due to the absence of conclusive functional and genetic evidence.

Fulgent Genetics
Classification: Uncertain significance for Joubert syndrome 7; Meckel syndrome, type 5; COACH syndrome 3. Last evaluated: 2022-02-23. Review status: criteria provided, single submitter. Criteria: ACMG Guidelines, 2015. Collection method: clinical testing. Allele origin: unknown.

Labcorp Genetics (formerly Invitae), Labcorp
Classification: Uncertain significance for Joubert syndrome; Meckel-Gruber syndrome. Last evaluated: 2021-08-24. Review status: criteria provided, single submitter. Criteria: Invitae Variant Classification Sherloc (09022015). Collection method: clinical testing. Allele origin: germline.
Comment: This sequence change replaces tyrosine with histidine at codon 864 of the RPGRIP1L protein (p.Tyr864His). The tyrosine residue is highly conserved and there is a moderate physicochemical difference between tyrosine and histidine. This variant is not present in population databases (ExAC no frequency). This variant has not been reported in the literature in individuals affected with RPGRIP1L-related conditions. Algorithms developed to predict the effect of missense changes on protein structure and function (SIFT, PolyPhen-2, Align-GVGD) all suggest that this variant is likely to be disruptive. In summary, the available evidence is currently insufficient to determine the role of this variant in disease. Therefore, it has been classified as a Variant of Uncertain Significance.